The following is an entry in ClinVar:

ClinVar aggregate classification (germline): Pathogenic (1 of 4 stars; one submission).

Conditions:
Rubinstein-Taybi syndrome due to EP300 haploinsufficiency. Also called: EP300-Related Rubinstein-Taybi Syndrome; RUBINSTEIN-TAYBI SYNDROME 2. Identifiers: Orphanet 353284, Orphanet 783, MedGen C3150941, MONDO:0013364, OMIM 613684.

Submission:

Department of Medical Genetics, Hunan Children's Hospital
Classification: Pathogenic for Rubinstein-Taybi syndrome due to EP300 haploinsufficiency. Review status: criteria provided, single submitter. Criteria: ACMG Guidelines, 2015. Collection method: clinical testing. Allele origin: de novo. Inheritance: Autosomal dominant inheritance. Affected: yes. Observed: 1 heterozygote.
Comment: 1.Predicted to undergo NMD, not located in last exon or last 50bp of preliminary exon.Coding exon number 14 out of 31 coding exons (14 out of total exons)-PVS1 2.Extremely low frequency in gnomAD population databases.-PM2_P

Literature cited by the submitters: PubMed 13983033.

NM_001429.4(EP300):c.2749C>T (p.Gln917Ter)

Gene: EP300 (EP300 lysine acetyltransferase; plus strand). Cytogenetic location: 22q13.2.
Variant type: single nucleotide variant.
Coding change: c.2749C>T on transcript NM_001429.4 (MANE Select); coding-DNA position 2749, C replaced by T.
Protein change: p.Gln917Ter; replaces glutamine 917 with a stop codon.
Molecular consequence: nonsense.
Genome position (GRCh38, 1-based): chr22:41,150,130, C>T. VCF-style: chr22-41150130-C-T. GRCh37 (hg19) VCF-style: chr22-41546134-C-T.
Other names: c.2671C>T, p.Gln891Ter (NM_001362843.2); short protein forms Q891*, Q917*.
Identifiers: ClinVar variation 3893227 (VCV003893227.1).